The following is an entry in ClinVar:

NM_033109.5(PNPT1):c.2231G>A (p.Arg744Lys)

Gene: PNPT1 (polyribonucleotide nucleotidyltransferase 1; minus strand). Cytogenetic location: 2p16.1.
Variant type: single nucleotide variant.
Coding change: c.2231G>A on transcript NM_033109.5 (MANE Select); coding-DNA position 2231, G replaced by A.
Protein change: p.Arg744Lys; replaces arginine 744 with lysine.
Molecular consequence: missense variant.
Genome position (GRCh38, 1-based): chr2:55,636,358, C>T on the plus strand (G>A on the coding strand, the complement: PNPT1 is on the minus strand). VCF-style: chr2-55636358-C-T. GRCh37 (hg19) VCF-style: chr2-55863493-C-T.
Other names: short protein forms R744K.
Identifiers: ClinVar variation 1356016 (VCV001356016.8), dbSNP rs1695673324, ClinGen allele CA346923335.

ClinVar aggregate classification (germline): Uncertain significance (1 of 4 stars; one submission).

Submission:

Labcorp Genetics (formerly Invitae), Labcorp
Classification: Uncertain significance. Last evaluated: 2022-09-01. Review status: criteria provided, single submitter. Criteria: Invitae Variant Classification Sherloc (09022015). Collection method: clinical testing. Allele origin: germline.
Comment: Algorithms developed to predict the effect of missense changes on protein structure and function (SIFT, PolyPhen-2, Align-GVGD) all suggest that this variant is likely to be tolerated. ClinVar contains an entry for this variant (Variation ID: 1356016). This variant has not been reported in the literature in individuals affected with PNPT1-related conditions. This variant is not present in population databases (gnomAD no frequency). This sequence change replaces arginine, which is basic and polar, with lysine, which is basic and polar, at codon 744 of the PNPT1 protein (p.Arg744Lys). In summary, the available evidence is currently insufficient to determine the role of this variant in disease. Therefore, it has been classified as a Variant of Uncertain Significance.